The following is an entry in ClinVar:

NM_001082538.3(TCTN1):c.291C>A (p.Cys97Ter)

Gene: TCTN1 (tectonic family member 1; plus strand). Cytogenetic location: 12q24.11.
Variant type: single nucleotide variant.
Coding change: c.291C>A on transcript NM_001082538.3 (MANE Select); coding-DNA position 291, C replaced by A.
Protein change: p.Cys97Ter; replaces cysteine 97 with a stop codon.
Molecular consequence: nonsense. On other transcripts: 5 prime UTR variant (1), non-coding transcript variant (1).
Genome position (GRCh38, 1-based): chr12:110,619,906, C>A. VCF-style: chr12-110619906-C-A. GRCh37 (hg19) VCF-style: chr12-111057711-C-A.
Other names: c.291C>A, p.Cys97Ter (NM_001082537.3, NM_001319680.2, NM_024549.6); c.123C>A, p.Cys41Ter (NM_001173975.3, NM_001319682.3); c.111C>A, p.Cys37Ter (NM_001173976.2); c.-417C>A (NM_001319681.2); short protein forms C37*, C41*, C97*.
Identifiers: ClinVar variation 3366343 (VCV003366343.1).

ClinVar aggregate classification (germline): Pathogenic (1 of 4 stars; one submission).

Conditions:
Joubert syndrome and related disorders. Identifiers: Orphanet 140874, MedGen C5679612, MONDO:0015369.

gnomAD v4.1: 1 of 1,614,130 alleles (0.000062%); highest among the groups gnomAD compares: Admixed American, 0.0017%; no homozygotes.

Submission:

Women's Health and Genetics/Laboratory Corporation of America, LabCorp
Classification: Pathogenic for Joubert syndrome and related disorders. Last evaluated: 2024-08-09. Review status: criteria provided, single submitter. Criteria: LabCorp Variant Classification Summary - May 2015. Collection method: clinical testing. Allele origin: germline.
Comment: Variant summary: TCTN1 c.291C>A (p.Cys97X) results in a premature termination codon, predicted to cause absence of the protein due to nonsense mediated decay, which is a commonly known mechanism for disease. The variant allele was found at a frequency of 4e-06 in 249586 control chromosomes. To our knowledge, no occurrence of c.291C>A in individuals affected with Joubert Syndrome And Related Disorders and no experimental evidence demonstrating its impact on protein function have been reported. No submitters have cited clinical-significance assessments for this variant to ClinVar. Based on the evidence outlined above, the variant was classified as pathogenic.